The following is an entry in ClinVar:

NM_173660.5(DOK7):c.804dup (p.Glu269fs)

Gene: DOK7 (docking protein 7; plus strand). Cytogenetic location: 4p16.3.
Variant type: Duplication.
Coding change: c.804dup on transcript NM_173660.5 (MANE Select); coding-DNA position 804, one base duplicated (A; older notation c.804dupA).
Protein change: p.Glu269fs; shifts the reading frame from glutamic acid 269.
Molecular consequence: frameshift variant. On other transcripts: 3 prime UTR variant (1), 5 prime UTR variant (1).
Genome position (GRCh38, 1-based): chr4:3,492,790, A duplicated. VCF-style (leftmost placement, unchanged base first): chr4-3492789-C-CA. GRCh37 (hg19) VCF-style: chr4-3494516-C-CA.
Other names: c.*25dup (NM_001164673.2); c.-127dup (NM_001256896.2); c.804dup, p.Glu269fs (NM_001301071.2); c.372dup, p.Glu125fs (NM_001363811.2); short protein forms E269fs, E125fs.
Identifiers: ClinVar variation 4784228 (VCV004784228.1).

ClinVar aggregate classification (germline): Pathogenic (1 of 4 stars; one submission).

Conditions:
Fetal akinesia deformation sequence 1 (FADS1). Also called: Fetal akinesia sequence; Pena-Shokeir syndrome type I. Identifiers: Orphanet 994, MedGen C1276035, MONDO:0100101, OMIM 208150, HP:0001989.
Congenital myasthenic syndrome 10. Also called: Myasthenia, limb-girdle, familial. Identifiers: Orphanet 590, MedGen C1850792, MONDO:0009690, OMIM 254300.

Submission:

Labcorp Genetics (formerly Invitae), Labcorp
Classification: Pathogenic for Congenital myasthenic syndrome 10; Fetal akinesia deformation sequence 1. Last evaluated: 2025-05-11. Review status: criteria provided, single submitter. Criteria: Invitae Variant Classification Sherloc (09022015). Collection method: clinical testing. Allele origin: germline.
Comment: This sequence change creates a premature translational stop signal (p.Glu269Argfs*32) in the DOK7 gene. While this is not anticipated to result in nonsense mediated decay, it is expected to disrupt the last 236 amino acid(s) of the DOK7 protein. This variant is not present in population databases (gnomAD no frequency). This variant has not been reported in the literature in individuals affected with DOK7-related conditions. This variant disrupts a region of the DOK7 protein in which other variant(s) (p.Pro486Argfs*15) have been determined to be pathogenic (PMID: 29118959). This suggests that this is a clinically significant region of the protein, and that variants that disrupt it are likely to be disease-causing. For these reasons, this variant has been classified as Pathogenic.

Literature cited by the submitters: PubMed 29118959.